The following is an entry in ClinVar:

NM_016580.4(PCDH12):c.1976A>G (p.Asn659Ser)

Genes: PCDH12 (protocadherin 12; minus strand), RNF14 (ring finger protein 14; plus strand). Cytogenetic location: 5q31.3.
Variant type: single nucleotide variant.
Coding change: c.1976A>G on transcript NM_016580.4 (MANE Select); coding-DNA position 1976, A replaced by G.
Protein change: p.Asn659Ser; replaces asparagine 659 with serine.
Molecular consequence: missense variant.
Genome position (GRCh38, 1-based): chr5:141,955,876, T>C on the plus strand (A>G on the coding strand, the complement: PCDH12 is on the minus strand). VCF-style: chr5-141955876-T-C. GRCh37 (hg19) VCF-style: chr5-141335441-T-C.
Other names: short protein forms N659S.
Identifiers: ClinVar variation 2175178 (VCV002175178.5), dbSNP rs1179506946, ClinGen allele CA361580291.

ClinVar aggregate classification (germline): Uncertain significance. Review status: criteria provided, multiple submitters, no conflicts (2 of 4 stars). 2 submissions from 2 submitters: Uncertain significance (2). Last evaluated 2024-07-08.

Allele frequency attached by ClinVar (database versions not stated): gnomAD exomes 0.00001.
gnomAD v4.1: 8 of 1,614,146 alleles (0.0005%); highest among the groups gnomAD compares: Middle Eastern, 0.049%; 1 homozygote.

Submissions (2):

Blueprint Genetics
Classification: Uncertain significance. Last evaluated: 2024-07-08. Review status: criteria provided, single submitter. Criteria: ACMG Guidelines, 2015. Collection method: clinical testing. Allele origin: germline.

Labcorp Genetics (formerly Invitae), Labcorp
Classification: Uncertain significance. Last evaluated: 2023-07-17. Review status: criteria provided, single submitter. Criteria: Invitae Variant Classification Sherloc (09022015). Collection method: clinical testing. Allele origin: germline.
Comment: Advanced modeling of protein sequence and biophysical properties (such as structural, functional, and spatial information, amino acid conservation, physicochemical variation, residue mobility, and thermodynamic stability) performed at Invitae indicates that this missense variant is not expected to disrupt PCDH12 protein function. This sequence change replaces asparagine, which is neutral and polar, with serine, which is neutral and polar, at codon 659 of the PCDH12 protein (p.Asn659Ser). This variant is present in population databases (no rsID available, gnomAD 0.003%). This variant has not been reported in the literature in individuals affected with PCDH12-related conditions. ClinVar contains an entry for this variant (Variation ID: 2175178). In summary, the available evidence is currently insufficient to determine the role of this variant in disease. Therefore, it has been classified as a Variant of Uncertain Significance.